The following is an entry in ClinVar:

NM_007118.4(TRIO):c.2663A>G (p.Lys888Arg)

Gene: TRIO (trio Rho guanine nucleotide exchange factor; plus strand). Cytogenetic location: 5p15.2.
Variant type: single nucleotide variant.
Coding change: c.2663A>G on transcript NM_007118.4 (MANE Select); coding-DNA position 2663, A replaced by G.
Protein change: p.Lys888Arg; replaces lysine 888 with arginine.
Molecular consequence: missense variant. On other transcripts: non-coding transcript variant (1).
Genome position (GRCh38, 1-based): chr5:14,364,725, A>G. VCF-style: chr5-14364725-A-G. GRCh37 (hg19) VCF-style: chr5-14364834-A-G.
Other names: short protein forms K888R.
Identifiers: ClinVar variation 1305803 (VCV001305803.2), dbSNP rs2152341207, ClinGen allele CA359212190.

ClinVar aggregate classification (germline): Uncertain significance (1 of 4 stars; one submission).

Submission:

GeneDx
Classification: Uncertain significance. Last evaluated: 2019-05-29. Review status: criteria provided, single submitter. Criteria: GeneDx Variant Classification Process June 2021. Collection method: clinical testing. Allele origin: germline. Affected: yes.
Comment: In silico analysis, which includes protein predictors and evolutionary conservation, supports that this variant does not alter protein structure/function; Not observed in large population cohorts (Lek et al., 2016); Has not been previously published as pathogenic or benign to our knowledge